The following is an entry in ClinVar:

ClinVar aggregate classification (germline): Uncertain significance (1 of 4 stars; one submission).

Conditions:
Glycogen storage disease IXd (GSD9D). Also called: Muscle Phosphorylase Kinase Deficiency; GSD IXd. Identifiers: Orphanet 715, MedGen C1845151, MONDO:0010362, OMIM 300559.

Submission:

Labcorp Genetics (formerly Invitae), Labcorp
Classification: Uncertain significance for Glycogen storage disease IXd. Last evaluated: 2023-10-14. Review status: criteria provided, single submitter. Criteria: Invitae Variant Classification Sherloc (09022015). Collection method: clinical testing. Allele origin: germline.
Comment: This sequence change falls in intron 5 of the PHKA1 gene. It does not directly change the encoded amino acid sequence of the PHKA1 protein. It affects a nucleotide within the consensus splice site. This variant is not present in population databases (gnomAD no frequency). This variant has not been reported in the literature in individuals affected with PHKA1-related conditions. Variants that disrupt the consensus splice site are a relatively common cause of aberrant splicing (PMID: 17576681, 9536098). Algorithms developed to predict the effect of sequence changes on RNA splicing suggest that this variant may disrupt the consensus splice site. In summary, the available evidence is currently insufficient to determine the role of this variant in disease. Therefore, it has been classified as a Variant of Uncertain Significance.

Literature cited by the submitters: PubMed 17576681; PubMed 9536098.

NM_002637.4(PHKA1):c.537+5G>A

Gene: PHKA1 (phosphorylase kinase regulatory subunit alpha 1; minus strand). Cytogenetic location: Xq13.1.
Variant type: single nucleotide variant.
Coding change: c.537+5G>A on transcript NM_002637.4 (MANE Select); 5 bases into the intron after coding-DNA position 537, G replaced by A.
Molecular consequence: intron variant.
Genome position (GRCh38, 1-based): chrX:72,684,493, C>T on the plus strand (G>A on the coding strand, the complement: PHKA1 is on the minus strand). VCF-style: chrX-72684493-C-T. GRCh37 (hg19) VCF-style: chrX-71904343-C-T.
Other names: c.537+5G>A (NM_001172436.2, NM_001122670.2).
Identifiers: ClinVar variation 2768467 (VCV002768467.3), dbSNP rs2522759470, ClinGen allele CA2694091969.
Genomic context (GRCh38, chrX:72,684,493, plus strand): 5'-GTTGCCCAGTATTTAGAAAACAAAAACATCATATGTCTAAAATCCATTCTAAAATCAGTA[C>T]TTACAGCAGTTTTATATGCAGCTTCAATGTAAAACACAAGGTTCTGTATGAAATTGACTT-3'